The following is an entry in ClinVar:

ClinVar aggregate classification (germline): Likely pathogenic (1 of 4 stars; one submission).

Conditions:
Dilated cardiomyopathy 1G (CMD1G). Identifiers: Orphanet 154, MedGen C1858763, MONDO:0011400, OMIM 604145.
Autosomal recessive limb-girdle muscular dystrophy type 2J (LGMDR10). Also called: Limb-girdle muscular dystrophy, type 2J; MUSCULAR DYSTROPHY, LIMB-GIRDLE, AUTOSOMAL RECESSIVE 10. Identifiers: Orphanet 140922, MedGen C1837342, MONDO:0012127, OMIM 608807.

Submission:

Labcorp Genetics (formerly Invitae), Labcorp
Classification: Likely pathogenic for Dilated cardiomyopathy 1G; Autosomal recessive limb-girdle muscular dystrophy type 2J. Last evaluated: 2023-12-06. Review status: criteria provided, single submitter. Criteria: Invitae Variant Classification Sherloc (09022015). Collection method: clinical testing. Allele origin: germline.
Comment: This sequence change creates a premature translational stop signal (p.Asp33856Valfs*5) in the TTN gene. While this is not anticipated to result in nonsense mediated decay, it is expected to create a truncated TTN protein. This variant is not present in population databases (gnomAD no frequency). This variant has not been reported in the literature in individuals affected with TTN-related conditions. ClinVar contains an entry for this variant (Variation ID: 840488). Experimental studies and prediction algorithms are not available or were not evaluated, and the functional significance of this variant is currently unknown. This variant is located in the M band of TTN (PMID: 25589632). Truncating variants in this region have been previously reported in individuals affected with autosomal recessive myopathy and muscular dystrophy (PMID: 18948003, 23975875, 24395473). Truncating variants in this region have also been identified in individuals affected with autosomal dominant dilated cardiomyopathy and/or cardio-related conditions (PMID: 27869827, 32964742). In summary, the currently available evidence indicates that the variant is pathogenic, but additional data are needed to prove that conclusively. Therefore, this variant has been classified as Likely Pathogenic.

Literature cited by the submitters: PubMed 25589632; PubMed 18948003; PubMed 23975875; PubMed 24395473; PubMed 27869827; PubMed 32964742.

NM_001267550.2(TTN):c.101567del (p.Asp33856fs)

Genes: TTN-AS1 (TTN antisense RNA 1; plus strand), TTN (titin; minus strand). Cytogenetic location: 2q31.2.
Variant type: Deletion.
Coding change: c.101567del on transcript NM_001267550.2 (MANE Select); coding-DNA position 101567, one base deleted (A; older notation c.101567delA).
Protein change: p.Asp33856fs; shifts the reading frame from aspartic acid 33856.
Molecular consequence: frameshift variant.
Genome position (GRCh38, 1-based): chr2:178,535,048, T deleted on the plus strand (A on the coding strand, the reverse complement: TTN is on the minus strand). VCF-style (leftmost placement, unchanged base first): chr2-178535047-AT-A. GRCh37 (hg19) VCF-style: chr2-179399774-AT-A.
Other names: c.96644del, p.Asp32215fs (NM_001256850.1); c.74372del, p.Asp24791fs (NM_003319.4); c.93863del, p.Asp31288fs (NM_133378.4); c.74747del, p.Asp24916fs (NM_133432.3); c.74948del, p.Asp24983fs (NM_133437.4); short protein forms D24983fs, D24791fs, D24916fs, D31288fs, D32215fs, D33856fs.
Identifiers: ClinVar variation 840488 (VCV000840488.10), dbSNP rs1690814987, ClinGen allele CA916081321.